The following is an entry in ClinVar:

ClinVar aggregate classification (germline): Uncertain significance (1 of 4 stars; one submission).

Conditions:
Familial cancer of breast. Also called: hereditary breast carcinoma; BREAST CANCER, FAMILIAL; Hereditary breast cancer. Identifiers: Orphanet 227535, MedGen C0346153, MONDO:0016419, OMIM 114480. Disease mechanism: loss of function.

Submission:

Labcorp Genetics (formerly Invitae), Labcorp
Classification: Uncertain significance for Familial cancer of breast. Last evaluated: 2025-12-30. Review status: criteria provided, single submitter. Criteria: Invitae Variant Classification Sherloc (09022015). Collection method: clinical testing. Allele origin: germline.
Comment: This sequence change replaces glycine, which is neutral and non-polar, with cysteine, which is neutral and slightly polar, at codon 656 of the BARD1 protein (p.Gly656Cys). This variant is not present in population databases (gnomAD no frequency). This variant has not been reported in the literature in individuals affected with BARD1-related conditions. ClinVar contains an entry for this variant (Variation ID: 573269). An algorithm developed to predict the effect of missense changes on protein structure and function (PolyPhen-2) suggests that this variant is likely to be disruptive. In summary, the available evidence is currently insufficient to determine the role of this variant in disease. Therefore, it has been classified as a Variant of Uncertain Significance.

NM_000465.4(BARD1):c.1966G>T (p.Gly656Cys)

Gene: BARD1 (BRCA1 associated RING domain 1; minus strand). Cytogenetic location: 2q35.
Variant type: single nucleotide variant.
Coding change: c.1966G>T on transcript NM_000465.4 (MANE Select); coding-DNA position 1966, G replaced by T.
Protein change: p.Gly656Cys; replaces glycine 656 with cysteine.
Molecular consequence: missense variant. On other transcripts: non-coding transcript variant (3).
Genome position (GRCh38, 1-based): chr2:214,730,446, C>A on the plus strand (G>T on the coding strand, the complement: BARD1 is on the minus strand). VCF-style: chr2-214730446-C-A. GRCh37 (hg19) VCF-style: chr2-215595170-C-A.
Other names: c.427G>T, p.Gly143Cys (NM_001282549.2); c.1909G>T, p.Gly637Cys (NM_001282543.2); c.613G>T, p.Gly205Cys (NM_001282545.2); c.556G>T, p.Gly186Cys (NM_001282548.2); short protein forms G656C, G637C, G143C, G186C, G205C.
Identifiers: ClinVar variation 573269 (VCV000573269.11), dbSNP rs766781362, ClinGen allele CA350451145.